The following is an entry in ClinVar:

NM_003896.4(ST3GAL5):c.80G>A (p.Arg27Gln)

Genes: ST3GAL5 (ST3 beta-galactoside alpha-2,3-sialyltransferase 5; minus strand), LOC129934236 (ATAC-STARR-seq lymphoblastoid silent region 11709; plus strand). Cytogenetic location: 2p11.2.
Variant type: single nucleotide variant.
Coding change: c.80G>A on transcript NM_003896.4 (MANE Select); coding-DNA position 80, G replaced by A.
Protein change: p.Arg27Gln; replaces arginine 27 with glutamine.
Molecular consequence: missense variant. On other transcripts: 5 prime UTR variant (6).
Genome position (GRCh38, 1-based): chr2:85,888,826, C>T on the plus strand (G>A on the coding strand, the complement: ST3GAL5 is on the minus strand). VCF-style: chr2-85888826-C-T. GRCh37 (hg19) VCF-style: chr2-86115949-C-T.
Other names: c.-883G>A (NM_001354223.2); c.-545G>A (NM_001354224.2); c.-482G>A (NM_001354226.2); c.-192G>A (NM_001354227.2); c.-136G>A (NM_001354229.2); c.-922G>A (NM_001354233.2); c.80G>A, p.Arg27Gln (NM_001363847.1); short protein forms R27Q.
Identifiers: ClinVar variation 1044409 (VCV001044409.9), dbSNP rs1688068233, ClinGen allele CA347536061.
Genomic context (GRCh38, chr2:85,888,826, plus strand): 5'-GCCGCAGCCCCCAGCCCGCGGGCCCCCGCGACGCCGAGGAGGGGGCTGCGCCACGTACCT[C>T]GGCCGGCAGGTGCCGCCGCTGCCTCGGTCCGCGGCTGCAGGGGACGCCGCTCCGCGCAGC-3'
Protein context (NP_003887.3, residues 17-37): RTEAAAAPAG[Arg27Gln]AMPSEYTYVK

ClinVar aggregate classification (germline): Uncertain significance (1 of 4 stars; one submission).

Conditions:
GM3 synthase deficiency (SPDRS). Also called: AMISH INFANTILE EPILEPSY SYNDROME; SALT AND PEPPER MENTAL RETARDATION SYNDROME; SALT AND PEPPER DEVELOPMENTAL REGRESSION SYNDROME. Identifiers: Orphanet 171714, Orphanet 370933, MedGen C1836824, MONDO:0018274, OMIM 609056.

Submission:

Labcorp Genetics (formerly Invitae), Labcorp
Classification: Uncertain significance for GM3 synthase deficiency. Last evaluated: 2020-01-08. Review status: criteria provided, single submitter. Criteria: Invitae Variant Classification Sherloc (09022015). Collection method: clinical testing. Allele origin: germline.
Comment: In summary, the available evidence is currently insufficient to determine the role of this variant in disease. Therefore, it has been classified as a Variant of Uncertain Significance. Algorithms developed to predict the effect of missense changes on protein structure and function (SIFT, PolyPhen-2, Align-GVGD) all suggest that this variant is likely to be tolerated, but these predictions have not been confirmed by published functional studies and their clinical significance is uncertain. This variant has not been reported in the literature in individuals with ST3GAL5-related conditions. The frequency data for this variant in the population databases is considered unreliable, as metrics indicate insufficient coverage at this position in the ExAC database. This sequence change replaces arginine with glutamine at codon 27 of the ST3GAL5 protein (p.Arg27Gln). The arginine residue is weakly conserved and there is a small physicochemical difference between arginine and glutamine.